The following is an entry in ClinVar:

NM_020971.3(SPTBN4):c.5589G>C (p.Pro1863=)

Gene: SPTBN4 (spectrin beta, non-erythrocytic 4; plus strand). Cytogenetic location: 19q13.2.
Variant type: single nucleotide variant.
Coding change: c.5589G>C on transcript NM_020971.3 (MANE Select); coding-DNA position 5589, G replaced by C.
Protein change: p.Pro1863=; no amino-acid change (proline 1863 retained).
Molecular consequence: synonymous variant.
Genome position (GRCh38, 1-based): chr19:40,557,322, G>C. VCF-style: chr19-40557322-G-C. GRCh37 (hg19) VCF-style: chr19-41063228-G-C.
Other names: c.1617G>C, p.Pro539= (NM_025213.3).
Identifiers: ClinVar variation 2649906 (VCV002649906.25), dbSNP rs149982216, ClinGen allele CA9446540.

ClinVar aggregate classification (germline): Likely benign. Review status: criteria provided, multiple submitters, no conflicts (2 of 4 stars). 2 submissions from 2 submitters: Likely benign (2). Last evaluated 2025-03-01.

Allele frequency attached by ClinVar (database versions not stated): 1000 Genomes Project 30x 0.00016; 1000 Genomes Project 0.00020; TOPMed 0.00040.
gnomAD v4.1: 950 of 1,613,116 alleles (0.059%); highest among the groups gnomAD compares: Non-Finnish European, 0.077%; 1 homozygote.

Submissions (2):

CeGaT Center for Human Genetics Tuebingen
Classification: Likely benign. Last evaluated: 2025-03-01. Review status: criteria provided, single submitter. Criteria: CeGaT Center For Human Genetics Tuebingen Variant Classification Criteria Version 2. Collection method: clinical testing. Allele origin: germline. Affected: yes. Observed: 3 variant alleles.
Comment: SPTBN4: BP4, BP7

Blueprint Genetics
Classification: Likely benign. Last evaluated: 2024-09-10. Review status: criteria provided, single submitter. Criteria: ACMG Guidelines, 2015. Collection method: clinical testing. Allele origin: germline.